The following is an entry in ClinVar:

ClinVar aggregate classification (germline): Uncertain significance. Review status: criteria provided, multiple submitters, no conflicts (2 of 4 stars). 2 submissions from 2 submitters: Uncertain significance (2). Last evaluated 2025-03-22.

Conditions:
Inborn genetic diseases. Identifiers: MedGen C0950123, MeSH D030342.

Allele frequency attached by ClinVar (database versions not stated): ExAC 0.00001; gnomAD exomes 0.00001; TOPMed 0.00001; gnomAD 0.00002.
gnomAD v4.1: 16 of 1,614,148 alleles (0.00099%); highest among the groups gnomAD compares: South Asian, 0.0099%; no homozygotes.

Submissions (2):

Ambry Genetics
Classification: Uncertain significance for Inborn genetic diseases. Last evaluated: 2025-03-22. Review status: criteria provided, single submitter. Criteria: Ambry Variant Classification Scheme 2023. Collection method: clinical testing. Allele origin: germline.

Labcorp Genetics (formerly Invitae), Labcorp
Classification: Uncertain significance. Last evaluated: 2022-10-25. Review status: criteria provided, single submitter. Criteria: Invitae Variant Classification Sherloc (09022015). Collection method: clinical testing. Allele origin: germline.
Comment: This sequence change replaces valine, which is neutral and non-polar, with methionine, which is neutral and non-polar, at codon 496 of the MYH3 protein (p.Val496Met). This variant is present in population databases (rs747751601, gnomAD 0.006%). This variant has not been reported in the literature in individuals affected with MYH3-related conditions. Advanced modeling of protein sequence and biophysical properties (such as structural, functional, and spatial information, amino acid conservation, physicochemical variation, residue mobility, and thermodynamic stability) has been performed at Invitae for this missense variant, however the output from this modeling did not meet the statistical confidence thresholds required to predict the impact of this variant on MYH3 protein function. In summary, the available evidence is currently insufficient to determine the role of this variant in disease. Therefore, it has been classified as a Variant of Uncertain Significance.

NM_002470.4(MYH3):c.1486G>A (p.Val496Met)

Gene: MYH3 (myosin heavy chain 3; minus strand). Cytogenetic location: 17p13.1.
Variant type: single nucleotide variant.
Coding change: c.1486G>A on transcript NM_002470.4 (MANE Select); coding-DNA position 1486, G replaced by A.
Protein change: p.Val496Met; replaces valine 496 with methionine.
Molecular consequence: missense variant.
Genome position (GRCh38, 1-based): chr17:10,642,921, C>T on the plus strand (G>A on the coding strand, the complement: MYH3 is on the minus strand). VCF-style: chr17-10642921-C-T. GRCh37 (hg19) VCF-style: chr17-10546238-C-T.
Other names: c.1486G>A (NM_002470.3); short protein forms V496M.
Identifiers: ClinVar variation 2413699 (VCV002413699.7), dbSNP rs747751601, ClinGen allele CA8392996.